The following is an entry in ClinVar:

NM_001042492.3(NF1):c.5705C>A (p.Ala1902Asp)

Gene: NF1 (neurofibromin 1; plus strand). Cytogenetic location: 17q11.2.
Variant type: single nucleotide variant.
Coding change: c.5705C>A on transcript NM_001042492.3 (MANE Select); coding-DNA position 5705, C replaced by A.
Protein change: p.Ala1902Asp; replaces alanine 1902 with aspartic acid.
Molecular consequence: missense variant.
Genome position (GRCh38, 1-based): chr17:31,330,391, C>A. VCF-style: chr17-31330391-C-A. GRCh37 (hg19) VCF-style: chr17-29657409-C-A.
Other names: c.5642C>A, p.Ala1881Asp (NM_000267.4); short protein forms A1902D, A1881D.
Identifiers: ClinVar variation 825870 (VCV000825870.5), dbSNP rs1465309384, ClinGen allele CA399010295.

ClinVar aggregate classification (germline): Uncertain significance (1 of 4 stars; one submission).

Conditions:
Hereditary cancer-predisposing syndrome. Also called: Tumor predisposition; Hereditary neoplastic syndrome; Neoplastic Syndromes, Hereditary; Hereditary Cancer Syndrome. Identifiers: Orphanet 140162, MedGen C0027672, MeSH D009386, MONDO:0015356.
Cardiovascular phenotype. Identifiers: MedGen CN230736.

Submission:

Ambry Genetics
Classification: Uncertain significance for Cardiovascular phenotype; Hereditary cancer-predisposing syndrome. Last evaluated: 2026-07-23. Review status: criteria provided, single submitter. Criteria: Ambry Variant Classification Scheme 2023. Collection method: clinical testing. Allele origin: germline.
Comment: The p.A1881D variant (also known as c.5642C>A), located in coding exon 38 of the NF1 gene, results from a C to A substitution at nucleotide position 5642. The alanine at codon 1881 is replaced by aspartic acid, an amino acid with dissimilar properties. This amino acid position is highly conserved in available vertebrate species. In addition, this alteration is predicted to be deleterious by in silico analysis. Since supporting evidence is limited at this time, the clinical significance of this alteration remains unclear.